The following is an entry in ClinVar:

NM_000051.4(ATM):c.6558G>A (p.Gly2186=)

Genes: C11orf65 (chromosome 11 open reading frame 65; minus strand), ATM (ATM serine/threonine kinase; plus strand). Cytogenetic location: 11q22.3.
Variant type: single nucleotide variant.
Coding change: c.6558G>A on transcript NM_000051.4 (MANE Select); coding-DNA position 6558, G replaced by A.
Protein change: p.Gly2186=; no amino-acid change (glycine 2186 retained).
Molecular consequence: synonymous variant. On other transcripts: intron variant (2).
Genome position (GRCh38, 1-based): chr11:108,321,406, G>A. VCF-style: chr11-108321406-G-A. GRCh37 (hg19) VCF-style: chr11-108192133-G-A.
Other names: c.6558G>A, p.Gly2186= (NM_001351834.2); c.641-12335C>T (NM_001330368.2); c.*39-12335C>T (NM_001351110.2).
Identifiers: ClinVar variation 481309 (VCV000481309.17), dbSNP rs1555117263, ClinGen allele CA476676236.

ClinVar aggregate classification (germline): Benign/Likely benign. Review status: criteria provided, multiple submitters, no conflicts (2 of 4 stars). 5 submissions from 5 submitters: Benign (1); Likely benign (4). Last evaluated 2024-06-07.

Conditions:
Hereditary cancer-predisposing syndrome. Also called: Neoplastic Syndromes, Hereditary; Hereditary Cancer Syndrome; Tumor predisposition; Hereditary neoplastic syndrome. Identifiers: Orphanet 140162, MedGen C0027672, MeSH D009386, MONDO:0015356.
Familial cancer of breast. Also called: Hereditary breast cancer; BREAST CANCER, FAMILIAL; hereditary breast carcinoma. Identifiers: Orphanet 227535, MedGen C0346153, MONDO:0016419, OMIM 114480. Disease mechanism: loss of function.
Ataxia-telangiectasia syndrome (AT). Also called: LOUIS-BAR SYNDROME; Cerebello-oculocutaneous telangiectasia; Immunodeficiency with ataxia telangiectasia; Ataxia-telangiectasia, complementation group D; AT, COMPLEMENTATION GROUP C; Ataxia-telangiectasia, complementation group E. Identifiers: Orphanet 100, MedGen C0004135, MONDO:0008840, OMIM 208900.

Allele frequency attached by ClinVar (database versions not stated): gnomAD 0.00001.
gnomAD v4.1: 1 of 1,613,980 alleles (0.000062%); no homozygotes.

Submissions (5):

Myriad Genetics, Inc.
Classification: Benign for Familial cancer of breast. Last evaluated: 2024-06-07. Review status: criteria provided, single submitter. Criteria: Myriad Autosomal Dominant, Autosomal Recessive and X-Linked Classification Criteria (2023). Collection method: clinical testing. Allele origin: unknown.
Comment: This variant is considered benign. This variant is a silent/synonymous amino acid change and it is not expected to impact splicing.

Color Diagnostics, LLC DBA Color Health
Classification: Likely benign for Hereditary cancer-predisposing syndrome. Last evaluated: 2023-06-13. Review status: criteria provided, single submitter. Criteria: ACMG Guidelines, 2015. Collection method: clinical testing. Allele origin: germline.

Labcorp Genetics (formerly Invitae), Labcorp
Classification: Likely benign for Ataxia-telangiectasia syndrome. Last evaluated: 2022-07-09. Review status: criteria provided, single submitter. Criteria: Invitae Variant Classification Sherloc (09022015). Collection method: clinical testing. Allele origin: germline.

Women's Health and Genetics/Laboratory Corporation of America, LabCorp
Classification: Likely benign. Last evaluated: 2022-06-02. Review status: criteria provided, single submitter. Criteria: LabCorp Variant Classification Summary - May 2015. Collection method: clinical testing. Allele origin: germline.

Ambry Genetics
Classification: Likely benign for Hereditary cancer-predisposing syndrome. Last evaluated: 2016-11-23. Review status: criteria provided, single submitter. Criteria: Ambry Variant Classification Scheme 2023. Collection method: clinical testing. Allele origin: germline.